The following is an entry in ClinVar:

ClinVar aggregate classification (germline): Likely benign. Review status: criteria provided, multiple submitters, no conflicts (2 of 4 stars). 2 submissions from 2 submitters: Likely benign (2). Last evaluated 2026-01-26.

Submissions (2):

Labcorp Genetics (formerly Invitae), Labcorp
Classification: Likely benign. Last evaluated: 2026-01-26. Review status: criteria provided, single submitter. Criteria: Invitae Variant Classification Sherloc (09022015). Collection method: clinical testing. Allele origin: germline.

GeneDx
Classification: Likely benign. Last evaluated: 2017-12-21. Review status: criteria provided, single submitter. Criteria: GeneDx Variant Classification (06012015). Collection method: clinical testing. Allele origin: germline. Affected: yes.
Comment: This variant is considered likely benign or benign based on one or more of the following criteria: it is a conservative change, it occurs at a poorly conserved position in the protein, it is predicted to be benign by multiple in silico algorithms, and/or has population frequency not consistent with disease.

NM_006231.4(POLE):c.3582+16_3582+17inv

Gene: POLE (DNA polymerase epsilon, catalytic subunit; minus strand). Cytogenetic location: 12q24.33.
Variant type: Inversion.
Coding change: c.3582+16_3582+17inv on transcript NM_006231.4 (MANE Select).
Molecular consequence: intron variant.
Genome position: GRCh38 VCF-style: chr12-132657119-TG-CA. GRCh37 (hg19) VCF-style: chr12-133233705-TG-CA.
Identifiers: ClinVar variation 420811 (VCV000420811.8), ClinGen allele CA16619466.